The following is an entry in ClinVar:

NM_024006.6(VKORC1):c.292C>T (p.Arg98Trp)

Gene: VKORC1 (vitamin K epoxide reductase complex subunit 1; minus strand). Cytogenetic location: 16p11.2.
Variant type: single nucleotide variant.
Coding change: c.292C>T on transcript NM_024006.6 (MANE Select); coding-DNA position 292, C replaced by T.
Protein change: p.Arg98Trp; replaces arginine 98 with tryptophan.
Molecular consequence: missense variant.
Genome position (GRCh38, 1-based): chr16:31,091,334, G>A on the plus strand (C>T on the coding strand, the complement: VKORC1 is on the minus strand). VCF-style: chr16-31091334-G-A. GRCh37 (hg19) VCF-style: chr16-31102655-G-A.
Other names: c.376C>T, p.Arg126Trp (NM_001311311.2); c.182C>T, p.Ala61Val (NM_206824.3); short protein forms R98W, A61V, R126W.
Identifiers: ClinVar variation 2206 (VCV000002206.4), dbSNP rs72547528, ClinGen allele CA115411.

ClinVar aggregate classification (germline): Pathogenic/Likely pathogenic. Review status: criteria provided, multiple submitters, no conflicts (2 of 4 stars). 3 submissions from 3 submitters: Pathogenic (1); Likely pathogenic (1). 1 of the submissions does not count toward it. Last evaluated 2025-02-03.

Conditions:
Hereditary combined deficiency of vitamin K-dependent clotting factors. Also called: Congenital vitamin K-dependent coagulation factors deficiency. Identifiers: Orphanet 169826, MedGen C4510617, MONDO:0015722.
VKORC1-related disorder. Also called: VKORC1-related condition.
Vitamin K-dependent clotting factors, combined deficiency of, type 2. Identifiers: Orphanet 98434, MedGen C1843832, MONDO:0011837, OMIM 607473.

Allele frequency attached by ClinVar (database versions not stated): gnomAD 0.00001; TOPMed 0.00003.

Submissions (3):

Clinical Genetics Laboratory, Skane University Hospital Lund
Classification: Likely pathogenic for Hereditary combined deficiency of vitamin K-dependent clotting factors. Last evaluated: 2025-02-03. Review status: criteria provided, single submitter. Criteria: ACMG Guidelines, 2015. Collection method: clinical testing. Allele origin: biparental. Inheritance: Autosomal recessive inheritance. Affected: yes.
Comment: ACMG criteria used: PS3_Supporting, PM2, PM3, PP1_Strong (PMID: 14765194)

Blueprint Genetics
Classification: Pathogenic for VKORC1-related disorders. Last evaluated: 2024-04-22. Review status: criteria provided, single submitter. Criteria: ACMG Guidelines, 2015. Collection method: clinical testing. Allele origin: germline. Affected: yes. Observed: 3 variant alleles.

OMIM
Classification: Pathogenic for VITAMIN K-DEPENDENT CLOTTING FACTORS, COMBINED DEFICIENCY OF, 2. Last evaluated: 2004-02-05. Review status: no assertion criteria provided. Collection method: literature only. Allele origin: germline. Not counted in ClinVar's aggregate classification.

Literature cited by the submitters: PubMed 14765194 (cited by OMIM); PubMed 11154138 (cited by OMIM); PubMed 18315553 (cited by OMIM).